The following is an entry in ClinVar:

NM_020549.5(CHAT):c.484A>G (p.Ser162Gly)

Gene: CHAT (choline O-acetyltransferase; plus strand). Cytogenetic location: 10q11.23.
Variant type: single nucleotide variant.
Coding change: c.484A>G on transcript NM_020549.5 (MANE Select); coding-DNA position 484, A replaced by G.
Protein change: p.Ser162Gly; replaces serine 162 with glycine.
Molecular consequence: missense variant.
Genome position (GRCh38, 1-based): chr10:49,619,821, A>G. VCF-style: chr10-49619821-A-G. GRCh37 (hg19) VCF-style: chr10-50827867-A-G.
Other names: c.130A>G, p.Ser44Gly (NM_001142929.2, NM_001142934.2, NM_020984.4 and 2 more transcripts); c.238A>G, p.Ser80Gly (NM_001142933.2); short protein forms S44G, S162G, S80G.
Identifiers: ClinVar variation 842733 (VCV000842733.10), dbSNP rs1195682323, ClinGen allele CA376726896.

ClinVar aggregate classification (germline): Uncertain significance (1 of 4 stars; one submission).

Conditions:
Familial infantile myasthenia (CMS6). Also called: Congenital myasthenic syndrome type 6; MYASTHENIC SYNDROME, PRESYNAPTIC, CONGENITAL, ASSOCIATED WITH EPISODIC APNEA; MYASTHENIC SYNDROME, CONGENITAL, 6, PRESYNAPTIC. Identifiers: Orphanet 590, MedGen C0393929, MONDO:0009689, OMIM 254210.

Allele frequency attached by ClinVar (database versions not stated): gnomAD exomes below 0.00001.
gnomAD v4.1: 3 of 1,614,062 alleles (0.00019%); highest among the groups gnomAD compares: Non-Finnish European, 0.000085%; no homozygotes.

Submission:

Labcorp Genetics (formerly Invitae), Labcorp
Classification: Uncertain significance for Familial infantile myasthenia. Last evaluated: 2019-12-27. Review status: criteria provided, single submitter. Criteria: Invitae Variant Classification Sherloc (09022015). Collection method: clinical testing. Allele origin: germline.
Comment: In summary, the available evidence is currently insufficient to determine the role of this variant in disease. Therefore, it has been classified as a Variant of Uncertain Significance. Algorithms developed to predict the effect of missense changes on protein structure and function are either unavailable or do not agree on the potential impact of this missense change (SIFT: "Deleterious"; PolyPhen-2: "Possibly Damaging"; Align-GVGD: "Class C0"). This variant has not been reported in the literature in individuals with CHAT-related conditions. This variant is not present in population databases (ExAC no frequency). This sequence change replaces serine with glycine at codon 162 of the CHAT protein (p.Ser162Gly). The serine residue is moderately conserved and there is a small physicochemical difference between serine and glycine.